The following is an entry in ClinVar:

NM_000093.5(COL5A1):c.4392+18T>C

Gene: COL5A1 (collagen type V alpha 1 chain; plus strand). Cytogenetic location: 9q34.3.
Variant type: single nucleotide variant.
Coding change: c.4392+18T>C on transcript NM_000093.5 (MANE Select); 18 bases into the intron after coding-DNA position 4392, T replaced by C.
Molecular consequence: intron variant.
Genome position (GRCh38, 1-based): chr9:134,818,919, T>C. VCF-style: chr9-134818919-T-C. GRCh37 (hg19) VCF-style: chr9-137710765-T-C.
Other names: c.4392+18T>C (NM_001278074.1).
Identifiers: ClinVar variation 1878218 (VCV001878218.5), dbSNP rs1293996522, ClinGen allele CA591110862.

ClinVar aggregate classification (germline): Likely benign. Review status: criteria provided, multiple submitters, no conflicts (2 of 4 stars). 2 submissions from 2 submitters: Likely benign (2). Last evaluated 2025-01-08.

Conditions:
Ehlers-Danlos syndrome, classic type, 1 (EDSCL1). Also called: Ehlers-Danlos syndrome, type 1; Ehlers-Danlos Syndrome, Classic Type, COL5A1-Related; EDS I; EHLERS-DANLOS SYNDROME, GRAVIS TYPE; EHLERS-DANLOS SYNDROME, SEVERE CLASSIC TYPE. Identifiers: MedGen C0268335, MONDO:0019567, OMIM 130000.

Allele frequency attached by ClinVar (database versions not stated): gnomAD 0.00001.
gnomAD v4.1: 1 of 1,613,046 alleles (0.000062%); highest among the groups gnomAD compares: African/African-American, 0.0013%; no homozygotes.

Submissions (2):

Women's Health and Genetics/Laboratory Corporation of America, LabCorp
Classification: Likely benign. Last evaluated: 2025-01-08. Review status: criteria provided, single submitter. Criteria: LabCorp Variant Classification Summary - May 2015. Collection method: clinical testing. Allele origin: germline.
Comment: Variant summary: COL5A1 c.4392+18T>C alters a non-conserved nucleotide located at a position not widely known to affect splicing. Consensus agreement among computation tools predict no significant impact on normal splicing. However, these predictions have yet to be confirmed by functional studies. The variant allele was found at a frequency of 4e-06 in 251168 control chromosomes. The available data on variant occurrences in the general population are insufficient to allow any conclusion about variant significance. c.4392+18T>C has been reported in the literature without strong evidence for causality. These report(s) do not provide unequivocal conclusions about association of the variant with Ehlers-Danlos Syndrome. To our knowledge, no experimental evidence demonstrating an impact on protein function has been reported. ClinVar contains an entry for this variant (Variation ID: 1878218). Based on the evidence outlined above, the variant was classified as likely benign.

Labcorp Genetics (formerly Invitae), Labcorp
Classification: Likely benign for Ehlers-Danlos syndrome, classic type, 1. Last evaluated: 2024-04-25. Review status: criteria provided, single submitter. Criteria: Invitae Variant Classification Sherloc (09022015). Collection method: clinical testing. Allele origin: germline.

Literature cited by the submitters: PubMed 33737726 (cited by Women's Health and Genetics/Laboratory Corporation of America, LabCorp).